The following is an entry in ClinVar:

ClinVar aggregate classification (germline): Uncertain significance (1 of 4 stars; one submission).

Conditions:
CHARGE syndrome (CHARGE). Also called: CHARGE ASSOCIATION--COLOBOMA, HEART ANOMALY, CHOANAL ATRESIA, RETARDATION, GENITAL AND EAR ANOMALIES; Coloboma, heart anomaly, choanal atresia, retardation, genital and ear anomalies; CHARGE association; Hall-Hittner syndrome; Hittner Hirsch Kreh syndrome. Identifiers: Orphanet 138, MedGen C0265354, MONDO:0008965.

Submission:

Labcorp Genetics (formerly Invitae), Labcorp
Classification: Uncertain significance for CHARGE syndrome. Last evaluated: 2016-12-12. Review status: criteria provided, single submitter. Criteria: Invitae Variant Classification Sherloc (09022015). Collection method: clinical testing. Allele origin: germline.
Comment: Algorithms developed to predict the effect of sequence changes on RNA splicing suggest that this variant may alter RNA splicing, but this prediction has not been confirmed by published transcriptional studies. In summary, this variant is a novel missense change with uncertain impact on protein function and splicing. It has been classified as a Variant of Uncertain Significance. Algorithms developed to predict the effect of missense changes on protein structure and function do not agree on the potential impact of this missense change (SIFT: "Tolerated"; PolyPhen-2: "Probably Damaging"; Align-GVGD: "Class C0"). This sequence change replaces arginine with glutamine at codon 1330 of the CHD7 protein (p.Arg1330Gln). The arginine residue is highly conserved and there is a small physicochemical difference between arginine and glutamine. It also falls at the last nucleotide of exon 16 of the CHD7 coding sequence. This variant is not present in population databases (ExAC no frequency) and has not been reported in the literature in individuals with a CHD7-related disease.

NM_017780.4(CHD7):c.3989G>A (p.Arg1330Gln)

Gene: CHD7 (chromodomain helicase DNA binding protein 7; plus strand). Cytogenetic location: 8q12.2.
Variant type: single nucleotide variant.
Coding change: c.3989G>A on transcript NM_017780.4 (MANE Select); coding-DNA position 3989, G replaced by A.
Protein change: p.Arg1330Gln; replaces arginine 1330 with glutamine.
Molecular consequence: missense variant. On other transcripts: intron variant (1).
Genome position (GRCh38, 1-based): chr8:60,836,283, G>A. VCF-style: chr8-60836283-G-A. GRCh37 (hg19) VCF-style: chr8-61748842-G-A.
Other names: c.1717-25946G>A (NM_001316690.1); short protein forms R1330Q.
Identifiers: ClinVar variation 411187 (VCV000411187.8), dbSNP rs1060503186, ClinGen allele CA16612458.